The following is an entry in ClinVar:

NM_004006.3(DMD):c.6854C>T (p.Pro2285Leu)

Gene: DMD (dystrophin; minus strand). Cytogenetic location: Xp21.1.
Variant type: single nucleotide variant.
Coding change: c.6854C>T on transcript NM_004006.3 (MANE Select); coding-DNA position 6854, C replaced by T.
Protein change: p.Pro2285Leu; replaces proline 2285 with leucine.
Molecular consequence: missense variant. On other transcripts: 5 prime UTR variant (5).
Genome position (GRCh38, 1-based): chrX:31,929,654, G>A on the plus strand (C>T on the coding strand, the complement: DMD is on the minus strand). VCF-style: chrX-31929654-G-A. GRCh37 (hg19) VCF-style: chrX-31947771-G-A.
Other names: c.6830C>T, p.Pro2277Leu (NM_000109.4); c.6842C>T, p.Pro2281Leu (NM_004009.3); c.6485C>T, p.Pro2162Leu (NM_004010.3); c.2831C>T, p.Pro944Leu (NM_004011.4); c.2822C>T, p.Pro941Leu (NM_004012.4); c.-527C>T (NM_004013.3, NM_004020.4, NM_004021.3 and 2 more transcripts); short protein forms P2162L, P2281L, P944L, P941L, P2277L, P2285L.
Identifiers: ClinVar variation 963549 (VCV000963549.10), dbSNP rs1438782223, ClinGen allele CA412657883.
Genomic context (GRCh38, chrX:31,929,654, plus strand): 5'-ACCTTTATCCACTGGAGATTTGTCTGCTTGAGCTTATTTTCAAGTTTATCTTGCTCTTCT[G>A]GGCTTATGGGAGCACTTACAAGCACGGGTCCTCCAGTTTCATTTAATTGTTTGAGAATTC-3'
Protein context (NP_003997.2, residues 2275-2295): GPVLVSAPIS[Pro2285Leu]EEQDKLENKL

ClinVar aggregate classification (germline): Conflicting classifications of pathogenicity. Review status: criteria provided, conflicting classifications (1 of 4 stars). 4 submissions from 4 submitters: Uncertain significance (2); Likely benign (1). 1 of the submissions does not count toward it. Last evaluated 2026-08-05.

Conditions:
Cardiovascular phenotype. Identifiers: MedGen CN230736.
Duchenne muscular dystrophy (DMD). Also called: MUSCULAR DYSTROPHY, PSEUDOHYPERTROPHIC PROGRESSIVE, DUCHENNE TYPE; Duchenne Muscular Dystrophy (DMD). Identifiers: Orphanet 98896, MedGen C0013264, MONDO:0010679, OMIM 310200.
Dystrophin deficiency.
Becker muscular dystrophy (BMD). Also called: MUSCULAR DYSTROPHY, PSEUDOHYPERTROPHIC PROGRESSIVE, BECKER TYPE; Becker Muscular Dystrophy (BMD). Identifiers: Orphanet 98895, MedGen C0917713, MONDO:0010311, OMIM 300376.
Cardiomyopathy (CMYO). Also called: Cardiomyopathies. Identifiers: Orphanet 167848, MedGen C0878544, MONDO:0004994, HP:0001638. Inheritance: Various modes of inheritance.

Allele frequency attached by ClinVar (database versions not stated): gnomAD exomes below 0.00001 and 0.00001; TOPMed 0.00003; gnomAD 0.00005.
gnomAD v4.1: 7 of 1,208,922 alleles (0.00058%); highest among the groups gnomAD compares: African/African-American, 0.012%; no homozygotes.

Submissions (4):

Ambry Genetics
Classification: Uncertain significance for Cardiovascular phenotype. Last evaluated: 2026-08-05. Review status: criteria provided, single submitter. Criteria: Ambry Variant Classification Scheme 2023. Collection method: clinical testing. Allele origin: germline.
Comment: The p.P2285L variant (also known as c.6854C>T), located in coding exon 47 of the DMD gene, results from a C to T substitution at nucleotide position 6854. The proline at codon 2285 is replaced by leucine, an amino acid with similar properties. This amino acid position is highly conserved in available vertebrate species. In addition, this alteration is predicted to be tolerated by in silico analysis. Based on data from gnomAD, the T allele has an overall frequency of 0.0019% (4/205167) total alleles studied, with 1 hemizygote(s) observed. The highest observed frequency was 0.0210% (4/19015) of African alleles. Based on the available evidence, the clinical significance of this variant remains unclear.

Labcorp Genetics (formerly Invitae), Labcorp
Classification: Likely benign for Duchenne muscular dystrophy. Last evaluated: 2025-10-26. Review status: criteria provided, single submitter. Criteria: Invitae Variant Classification Sherloc (09022015). Collection method: clinical testing. Allele origin: germline.

Women's Health and Genetics/Laboratory Corporation of America, LabCorp
Classification: Uncertain significance. Last evaluated: 2025-07-13. Review status: criteria provided, single submitter. Criteria: LabCorp Variant Classification Summary - May 2015. Collection method: clinical testing. Allele origin: germline.

Natera, Inc.
Classification: Uncertain significance for Becker muscular dystrophy; Cardiomyopathy; Duchenne muscular dystrophy; Dystrophin deficiency. Last evaluated: 2019-02-25. Review status: no assertion criteria provided. Collection method: clinical testing. Allele origin: germline. Not counted in ClinVar's aggregate classification.